The following is an entry in ClinVar:

NM_001190274.2(FBXO11):c.2227+3A>G

Gene: FBXO11 (F-box protein 11; minus strand). Cytogenetic location: 2p16.3.
Variant type: single nucleotide variant.
Coding change: c.2227+3A>G on transcript NM_001190274.2 (MANE Select); 3 bases into the intron after coding-DNA position 2227, A replaced by G.
Molecular consequence: intron variant.
Genome position (GRCh38, 1-based): chr2:47,813,231, T>C on the plus strand (A>G on the coding strand, the complement: FBXO11 is on the minus strand). VCF-style: chr2-47813231-T-C. GRCh37 (hg19) VCF-style: chr2-48040370-T-C.
Other names: c.1975+3A>G (NM_001374325.1, NM_025133.4).
Identifiers: ClinVar variation 2444072 (VCV002444072.2), dbSNP rs2531002655, ClinGen allele CA2580066920.

ClinVar aggregate classification (germline): Conflicting classifications of pathogenicity. Review status: criteria provided, conflicting classifications (1 of 4 stars). 2 submissions from 2 submitters: Likely pathogenic (1); Uncertain significance (1). Last evaluated 2025-03-21.

Conditions:
Paediatric disorders.
Intellectual developmental disorder with dysmorphic facies and behavioral abnormalities. Identifiers: MedGen C4748135, MONDO:0060760, OMIM 618089.

Submissions (2):

North West Genomic Laboratory Hub, Manchester University NHS Foundation Trust
Classification: Likely pathogenic for Paediatric disorders. Last evaluated: 2025-03-21. Review status: criteria provided, single submitter. Criteria: ACGS Best Practice Guidelines for Variant Classification in Rare Disease 2024. Collection method: clinical testing. Allele origin: germline. Affected: yes.
Comment: PM2_Mod PS2_Mod PVS1_Mod

3billion
Classification: Uncertain significance for Intellectual developmental disorder with dysmorphic facies and behavioral abnormalities. Last evaluated: 2023-02-23. Review status: criteria provided, single submitter. Criteria: ACMG Guidelines, 2015. Collection method: clinical testing. Allele origin: unknown. Affected: yes.
Comment: The variant is not observed in the gnomAD v2.1.1 dataset. Predicted Consequence/Location: Splice region variant. In silico tools predict the variant to alter splicing and produce an abnormal transcript (SpliceAI: 0.92). Therefore, this variant is classified as VUS according to the recommendation of ACMG/AMP guideline.